The following is an entry in ClinVar:

ClinVar aggregate classification (germline): Uncertain significance (1 of 4 stars; one submission).

Conditions:
Glycogen storage disease, type II (IOPD). Also called: CARDIOMEGALIA GLYCOGENICA DIFFUSA; POMPE DISEASE, INFANTILE-ONSET; GLYCOGEN STORAGE DISEASE II, INFANTILE-ONSET; ACID ALPHA-GLUCOSIDASE DEFICIENCY, INFANTILE-ONSET; GAA DEFICIENCY, INFANTILE-ONSET; ACID MALTASE DEFICIENCY, INFANTILE-ONSET. Identifiers: Orphanet 365, MedGen C0017921, MONDO:0009290, OMIM 232300.

Submission:

Labcorp Genetics (formerly Invitae), Labcorp
Classification: Uncertain significance for Glycogen storage disease, type II. Last evaluated: 2022-05-17. Review status: criteria provided, single submitter. Criteria: Invitae Variant Classification Sherloc (09022015). Collection method: clinical testing. Allele origin: germline.
Comment: In summary, the available evidence is currently insufficient to determine the role of this variant in disease. Therefore, it has been classified as a Variant of Uncertain Significance. Advanced modeling of protein sequence and biophysical properties (such as structural, functional, and spatial information, amino acid conservation, physicochemical variation, residue mobility, and thermodynamic stability) performed at Invitae indicates that this missense variant is not expected to disrupt GAA protein function. This variant has not been reported in the literature in individuals affected with GAA-related conditions. This variant is not present in population databases (gnomAD no frequency). This sequence change replaces arginine, which is basic and polar, with glycine, which is neutral and non-polar, at codon 527 of the GAA protein (p.Arg527Gly).

NM_000152.5(GAA):c.1579A>G (p.Arg527Gly)

Gene: GAA (alpha glucosidase; plus strand). Cytogenetic location: 17q25.3.
Variant type: single nucleotide variant.
Coding change: c.1579A>G on transcript NM_000152.5 (MANE Select); coding-DNA position 1579, A replaced by G.
Protein change: p.Arg527Gly; replaces arginine 527 with glycine.
Molecular consequence: missense variant.
Genome position (GRCh38, 1-based): chr17:80,110,968, A>G. VCF-style: chr17-80110968-A-G. GRCh37 (hg19) VCF-style: chr17-78084767-A-G.
Other names: c.1579A>G, p.Arg527Gly (NM_001079803.3, NM_001079804.3, NM_001406741.1 and 1 more transcripts); short protein forms R527G.
Identifiers: ClinVar variation 1965577 (VCV001965577.5), dbSNP rs2510374800, ClinGen allele CA401367241.